The following is an entry in ClinVar:

NM_153704.6(TMEM67):c.2399C>G (p.Thr800Ser)

Gene: TMEM67 (transmembrane protein 67; plus strand). Cytogenetic location: 8q22.1.
Variant type: single nucleotide variant.
Coding change: c.2399C>G on transcript NM_153704.6 (MANE Select); coding-DNA position 2399, C replaced by G.
Protein change: p.Thr800Ser; replaces threonine 800 with serine.
Molecular consequence: missense variant. On other transcripts: non-coding transcript variant (1).
Genome position (GRCh38, 1-based): chr8:93,804,838, C>G. VCF-style: chr8-93804838-C-G. GRCh37 (hg19) VCF-style: chr8-94817066-C-G.
Other names: c.2156C>G, p.Thr719Ser (NM_001142301.1); short protein forms T719S, T800S.
Identifiers: ClinVar variation 3352629 (VCV003352629.1).

ClinVar aggregate classification (germline): Uncertain significance (0 of 4 stars; one submission).

Conditions:
TMEM67-related disorder. Also called: TMEM67-related condition; TMEM67-related disorders. Identifiers: MedGen CN239423.

gnomAD v4.1: 11 of 1,604,288 alleles (0.00069%); highest among the groups gnomAD compares: Non-Finnish European, 0.00085%; no homozygotes.

Submission:

PreventionGenetics, part of Exact Sciences
Classification: Uncertain significance for TMEM67-related condition. Last evaluated: 2024-07-15. Review status: no assertion criteria provided. Collection method: clinical testing. Allele origin: germline.
Comment: The TMEM67 c.2399C>G variant is predicted to result in the amino acid substitution p.Thr800Ser. To our knowledge, this variant has not been reported in the literature. This variant is reported in 0.00088% of alleles in individuals of European (Non-Finnish) descent in gnomAD. At this time, the clinical significance of this variant is uncertain due to the absence of conclusive functional and genetic evidence.